The following is an entry in ClinVar:

NM_021008.4(DEAF1):c.832T>G (p.Ser278Ala)

Gene: DEAF1 (DEAF1 transcription factor; minus strand). Cytogenetic location: 11p15.5.
Variant type: single nucleotide variant.
Coding change: c.832T>G on transcript NM_021008.4 (MANE Select); coding-DNA position 832, T replaced by G.
Protein change: p.Ser278Ala; replaces serine 278 with alanine.
Molecular consequence: missense variant.
Genome position (GRCh38, 1-based): chr11:684,936, A>C on the plus strand (T>G on the coding strand, the complement: DEAF1 is on the minus strand). VCF-style: chr11-684936-A-C. GRCh37 (hg19) VCF-style: chr11-684936-A-C.
Other names: c.692T>G, p.Leu231Arg (NM_001293634.2); c.106T>G, p.Ser36Ala (NM_001367390.1); short protein forms L231R, S278A, S36A.
Identifiers: ClinVar variation 1418649 (VCV001418649.8), dbSNP rs2133395011, ClinGen allele CA378930095.

ClinVar aggregate classification (germline): Uncertain significance (1 of 4 stars; one submission).

Allele frequency attached by ClinVar (database versions not stated): gnomAD exomes below 0.00001.
gnomAD v4.1: 1 of 1,551,674 alleles (0.000064%); highest among the groups gnomAD compares: Non-Finnish European, 0.000087%; no homozygotes.

Submission:

Labcorp Genetics (formerly Invitae), Labcorp
Classification: Uncertain significance. Last evaluated: 2024-03-17. Review status: criteria provided, single submitter. Criteria: Invitae Variant Classification Sherloc (09022015). Collection method: clinical testing. Allele origin: germline.
Comment: This sequence change replaces serine, which is neutral and polar, with alanine, which is neutral and non-polar, at codon 278 of the DEAF1 protein (p.Ser278Ala). This variant is not present in population databases (gnomAD no frequency). This variant has not been reported in the literature in individuals affected with DEAF1-related conditions. ClinVar contains an entry for this variant (Variation ID: 1418649). Advanced modeling of protein sequence and biophysical properties (such as structural, functional, and spatial information, amino acid conservation, physicochemical variation, residue mobility, and thermodynamic stability) performed at Invitae indicates that this missense variant is expected to disrupt DEAF1 protein function with a positive predictive value of 95%. In summary, the available evidence is currently insufficient to determine the role of this variant in disease. Therefore, it has been classified as a Variant of Uncertain Significance.